The following is an entry in ClinVar:

NM_001371279.1(REEP1):c.446G>A (p.Arg149Gln)

Gene: REEP1 (receptor accessory protein 1; minus strand). Cytogenetic location: 2p11.2.
Variant type: single nucleotide variant.
Coding change: c.446G>A on transcript NM_001371279.1 (MANE Select); coding-DNA position 446, G replaced by A.
Protein change: p.Arg149Gln; replaces arginine 149 with glutamine.
Molecular consequence: missense variant. On other transcripts: intron variant (1).
Genome position (GRCh38, 1-based): chr2:86,232,774, C>T on the plus strand (G>A on the coding strand, the complement: REEP1 is on the minus strand). VCF-style: chr2-86232774-C-T. GRCh37 (hg19) VCF-style: chr2-86459897-C-T.
Other names: c.467G>A, p.Arg156Gln (NM_001164730.2); c.365G>A, p.Arg122Gln (NM_001164731.2); c.211G>A, p.Gly71Arg (NM_001164732.2); c.446G>A, p.Arg149Gln (NM_022912.3); c.418-15664G>A (NM_001371280.1); short protein forms R122Q, G71R, R149Q, R156Q.
Identifiers: ClinVar variation 1487192 (VCV001487192.8), dbSNP rs896564103, ClinGen allele CA51367125.

ClinVar aggregate classification (germline): Uncertain significance (1 of 4 stars; one submission).

Conditions:
Hereditary spastic paraplegia 31. Also called: SPASTIC PARAPLEGIA 31, AUTOSOMAL DOMINANT. Identifiers: Orphanet 101011, MedGen C1853247, MONDO:0012453, OMIM 610250.

Allele frequency attached by ClinVar (database versions not stated): gnomAD exomes below 0.00001; gnomAD 0.00001; TOPMed 0.00002.

Submission:

Labcorp Genetics (formerly Invitae), Labcorp
Classification: Uncertain significance for Hereditary spastic paraplegia 31. Last evaluated: 2023-07-25. Review status: criteria provided, single submitter. Criteria: Invitae Variant Classification Sherloc (09022015). Collection method: clinical testing. Allele origin: germline.
Comment: This sequence change replaces arginine, which is basic and polar, with glutamine, which is neutral and polar, at codon 149 of the REEP1 protein (p.Arg149Gln). This variant is not present in population databases (gnomAD no frequency). This variant has not been reported in the literature in individuals affected with REEP1-related conditions. ClinVar contains an entry for this variant (Variation ID: 1487192). An algorithm developed to predict the effect of missense changes on protein structure and function (PolyPhen-2) suggests that this variant is likely to be tolerated. In summary, the available evidence is currently insufficient to determine the role of this variant in disease. Therefore, it has been classified as a Variant of Uncertain Significance.